The following is an entry in ClinVar:

ClinVar aggregate classification (germline): Pathogenic. Review status: criteria provided, multiple submitters, no conflicts (2 of 4 stars). 4 submissions from 4 submitters: Pathogenic (2). 2 of the submissions do not count toward it. Last evaluated 2024-10-08.

Conditions:
Nicolaides-Baraitser syndrome (NCBRS). Also called: SMARCA2-Related Nicolaides-Baraitser Syndrome; Intellectual disability-sparse hair-brachydactyly syndrome. Identifiers: Orphanet 3051, MedGen C1303073, MONDO:0011053, OMIM 601358.

Submissions (4):

Victorian Clinical Genetics Services, Murdoch Childrens Research Institute
Classification: Pathogenic for Nicolaides-Baraitser syndrome. Last evaluated: 2024-10-08. Review status: criteria provided, single submitter. Criteria: ACMG Guidelines, 2015. Collection method: clinical testing. Allele origin: germline. Inheritance: Autosomal dominant inheritance. Affected: yes.
Comment: Based on the classification scheme VCGS_Germline_v1.3.4, this variant is classified as Pathogenic. Following criteria are met: 0105 - The mechanism of disease for this gene is not clearly established. However, dominant negative is a likely mechanism (PMID: 22366787). (I) 0107 - This gene is associated with autosomal dominant disease. (I) 0200 - Variant is predicted to result in a missense amino acid change from arginine to glycine. (I) 0251 - This variant is heterozygous. (I) 0301 - Variant is absent from gnomAD (both v2 and v3). (SP) 0501 - Missense variant consistently predicted to be damaging by multiple in silico tools or highly conserved with a major amino acid change. (SP) 0603 - Missense variant in a region that is highly intolerant to missense variation (high constraint region in DECIPHER). (SP) 0802 - This variant has moderate previous evidence of pathogenicity in unrelated individuals. This variant has been observed in four individuals with Nicolaides-Baraitser syndrome, one of which was confirmed de novo (ClinVar, PMID: 22366787, 25169058). (SP) 0905 - No published segregation evidence has been identified for this variant. (I) 1007 - No published functional evidence has been identified for this variant. (SP) Legend: (SP) - Supporting pathogenic, (I) - Information, (SB) - Supporting benign

Women's Health and Genetics/Laboratory Corporation of America, LabCorp
Classification: Pathogenic for Nicolaides-Baraitser syndrome. Last evaluated: 2019-11-04. Review status: criteria provided, single submitter. Criteria: LabCorp Variant Classification Summary - May 2015. Collection method: clinical testing. Allele origin: germline.
Comment: Variant summary: SMARCA2 c.3475C>G (p.Arg1159Gly) results in a non-conservative amino acid change located in the Helicase, C-terminal domain (IPR001650) of the encoded protein sequence. Five of five in-silico tools predict a damaging effect of the variant on protein function. The variant was absent in 250800 control chromosomes (gnomAD). c.3475C>G has been reported in the literature in individuals affected with Nicolaides-Baraitser syndrome (e.g. VanHoudt_2012, Sousa_2014), and was detected as a de-novo mutation in at least one of these patients (VanHoudt_2012). These data indicate that the variant may be associated with disease. To our knowledge, no experimental evidence demonstrating an impact on protein function has been reported. No clinical diagnostic laboratories have submitted clinical-significance assessments for this variant to ClinVar after 2014. In addition, p.R1159Q and p.R1159L have been reported in patients with Nicolaides-Baraitser syndrome (HGMD database). Based on the evidence outlined above, the variant was classified as pathogenic.

OMIM
Classification: Pathogenic for NICOLAIDES-BARAITSER SYNDROME. Last evaluated: 2012-02-26. Review status: no assertion criteria provided. Collection method: literature only. Allele origin: germline. Not counted in ClinVar's aggregate classification.

UniProtKB/Swiss-Prot
No classification provided. Review status: no classification provided. Collection method: not provided. Allele origin: not provided. Not counted in ClinVar's aggregate classification.

Literature cited by the submitters: PubMed 22366787 (cited by 3 submitters); PubMed 25169058 (cited by Victorian Clinical Genetics Services, Murdoch Childrens Research Institute and Women's Health and Genetics/Laboratory Corporation of America, LabCorp); PubMed 30459321 (cited by Women's Health and Genetics/Laboratory Corporation of America, LabCorp); PubMed 27099726 (cited by Women's Health and Genetics/Laboratory Corporation of America, LabCorp); PubMed 23752187 (cited by Women's Health and Genetics/Laboratory Corporation of America, LabCorp); PubMed 28824374 (cited by Women's Health and Genetics/Laboratory Corporation of America, LabCorp); PubMed 27665729 (cited by Women's Health and Genetics/Laboratory Corporation of America, LabCorp).

NM_003070.5(SMARCA2):c.3475C>G (p.Arg1159Gly)

Gene: SMARCA2 (SWI/SNF related BAF chromatin remodeling complex subunit ATPase 2; plus strand). Cytogenetic location: 9p24.3.
Variant type: single nucleotide variant.
Coding change: c.3475C>G on transcript NM_003070.5 (MANE Select); coding-DNA position 3475, C replaced by G.
Protein change: p.Arg1159Gly; replaces arginine 1159 with glycine.
Molecular consequence: missense variant.
Genome position (GRCh38, 1-based): chr9:2,115,840, C>G. VCF-style: chr9-2115840-C-G. GRCh37 (hg19) VCF-style: chr9-2115840-C-G.
Other names: c.3475C>G, p.Arg1159Gly (NM_001289396.2, NM_139045.4); c.3301C>G, p.Arg1101Gly (NM_001289397.2); short protein forms R1159G, R1101G.
Identifiers: ClinVar variation 30012 (VCV000030012.4), dbSNP rs281875184, ClinGen allele CA211267.